The following is an entry in ClinVar:

NM_000218.3(KCNQ1):c.1213_1214del (p.Leu405fs)

Gene: KCNQ1 (potassium voltage-gated channel subfamily Q member 1; plus strand). Cytogenetic location: 11p15.5.
Variant type: Microsatellite.
Coding change: c.1213_1214del on transcript NM_000218.3 (MANE Select); coding-DNA positions 1213 to 1214, 2 bases deleted (CT; older notation c.1213_1214delCT).
Protein change: p.Leu405fs; shifts the reading frame from leucine 405.
Molecular consequence: frameshift variant.
Genome position (GRCh38, 1-based): chr11:2,587,654-2,587,655, CT deleted; deleting any 2 consecutive bases within chr11:2,587,652-2,587,655 gives the same sequence; the c. name uses the placement nearest the transcript's 3' end. VCF-style (leftmost placement, unchanged base first): chr11-2587651-ACT-A. GRCh37 (hg19) VCF-style: chr11-2608881-ACT-A.
Other names: c.1117_1118del, p.Leu373fs (NM_001406836.1); c.943_944del, p.Leu315fs (NM_001406837.1); c.673_674del, p.Leu225fs (NM_001406838.1); c.832_833del, p.Leu278fs (NM_181798.2); short protein forms L225fs, L278fs, L373fs, L405fs, L315fs.
Identifiers: ClinVar variation 3669101 (VCV003669101.2).

ClinVar aggregate classification (germline): Pathogenic (1 of 4 stars; one submission).

Conditions:
Long QT syndrome (LQTS). Identifiers: MedGen C0023976, MeSH D008133, MONDO:0002442. Disease mechanism: loss of function. Inheritance: Various modes of inheritance.

Submission:

Labcorp Genetics (formerly Invitae), Labcorp
Classification: Pathogenic for Long QT syndrome. Last evaluated: 2025-03-25. Review status: criteria provided, single submitter. Criteria: Invitae Variant Classification Sherloc (09022015). Collection method: clinical testing. Allele origin: germline.
Comment: This sequence change creates a premature translational stop signal (p.Leu405Alafs*57) in the KCNQ1 gene. It is expected to result in an absent or disrupted protein product. Loss-of-function variants in KCNQ1 are known to be pathogenic (PMID: 9323054, 19862833). This variant is not present in population databases (gnomAD no frequency). This variant has not been reported in the literature in individuals affected with KCNQ1-related conditions. For these reasons, this variant has been classified as Pathogenic.

Literature cited by the submitters: PubMed 9323054; PubMed 19862833.